The following is an entry in ClinVar:

ClinVar aggregate classification (germline): Pathogenic. Review status: criteria provided, multiple submitters, no conflicts (2 of 4 stars). 2 submissions from 2 submitters: Pathogenic (2). Last evaluated 2024-12-09.

Conditions:
Marfan syndrome (MFS). Also called: MARFAN SYNDROME, TYPE I; Marfan syndrome type 1; Marfan's syndrome; Marfan syndrome, classic; FBN1-Related Marfan Syndrome. Identifiers: Orphanet 284963, Orphanet 558, MedGen C0024796, MONDO:0007947, OMIM 154700.
Familial thoracic aortic aneurysm and aortic dissection (TAAD). Also called: Thoracic aortic aneurysms and dissections. Identifiers: Orphanet 91387, MedGen C4707243, MONDO:0019625.

Submissions (2):

GeneDx
Classification: Pathogenic. Last evaluated: 2024-12-09. Review status: criteria provided, single submitter. Criteria: GeneDx Variant Classification Process June 2021. Collection method: clinical testing. Allele origin: germline. Affected: yes.
Comment: Canonical splice site variant predicted to result in an in-frame loss of the adjacent exon in a gene for which loss of function is a known mechanism of disease; Deletions involving coding exons of this gene are a known mechanism of disease (HGMD); Not observed at significant frequency in large population cohorts (gnomAD); This variant is associated with the following publications: (PMID: 12938084, 25652356)

Labcorp Genetics (formerly Invitae), Labcorp
Classification: Pathogenic for Marfan syndrome; Familial thoracic aortic aneurysm and aortic dissection. Last evaluated: 2024-04-29. Review status: criteria provided, single submitter. Criteria: Invitae Variant Classification Sherloc (09022015). Collection method: clinical testing. Allele origin: germline.
Comment: This sequence change affects a donor splice site in intron 12 of the FBN1 gene. It is expected to disrupt RNA splicing. Variants that disrupt the donor or acceptor splice site typically lead to a loss of protein function (PMID: 16199547), and loss-of-function variants in FBN1 are known to be pathogenic (PMID: 17657824, 19293843). This variant is not present in population databases (gnomAD no frequency). Disruption of this splice site has been observed in individuals with clinical features of Marfan syndrome (PMID: 24161884, 25652356; Invitae). ClinVar contains an entry for this variant (Variation ID: 1460268). Algorithms developed to predict the effect of sequence changes on RNA splicing suggest that this variant may disrupt the consensus splice site. For these reasons, this variant has been classified as Pathogenic.

Literature cited by the submitters: PubMed 16199547 (cited by Labcorp Genetics (formerly Invitae), Labcorp); PubMed 17657824 (cited by Labcorp Genetics (formerly Invitae), Labcorp); PubMed 19293843 (cited by Labcorp Genetics (formerly Invitae), Labcorp); PubMed 24161884 (cited by Labcorp Genetics (formerly Invitae), Labcorp); PubMed 25652356 (cited by Labcorp Genetics (formerly Invitae), Labcorp).

NM_000138.5(FBN1):c.1468+1G>A

Gene: FBN1 (fibrillin 1; minus strand). Cytogenetic location: 15q21.1.
Variant type: single nucleotide variant.
Coding change: c.1468+1G>A on transcript NM_000138.5 (MANE Select); the canonical splice donor site of the intron after coding-DNA position 1468, G replaced by A.
Molecular consequence: splice donor variant.
Genome position (GRCh38, 1-based): chr15:48,515,386, C>T on the plus strand (G>A on the coding strand, the complement: FBN1 is on the minus strand). VCF-style: chr15-48515386-C-T. GRCh37 (hg19) VCF-style: chr15-48807583-C-T.
Other names: c.1468+1G>A (NM_001406716.1).
Identifiers: ClinVar variation 1460268 (VCV001460268.9), dbSNP rs2141329822, ClinGen allele CA392343527.